The following is an entry in ClinVar:

NM_004239.4(TRIP11):c.3380C>T (p.Ala1127Val)

Gene: TRIP11 (thyroid hormone receptor interactor 11; minus strand). Cytogenetic location: 14q32.12.
Variant type: single nucleotide variant.
Coding change: c.3380C>T on transcript NM_004239.4 (MANE Select); coding-DNA position 3380, C replaced by T.
Protein change: p.Ala1127Val; replaces alanine 1127 with valine.
Molecular consequence: missense variant.
Genome position (GRCh38, 1-based): chr14:92,004,596, G>A on the plus strand (C>T on the coding strand, the complement: TRIP11 is on the minus strand). VCF-style: chr14-92004596-G-A. GRCh37 (hg19) VCF-style: chr14-92470940-G-A.
Other names: c.3380C>T (NM_004239.3); c.3377C>T, p.Ala1126Val (NM_001321851.1); short protein forms A1126V, A1127V.
Identifiers: ClinVar variation 810959 (VCV000810959.12), dbSNP rs191280213, ClinGen allele CA7313639.

ClinVar aggregate classification (germline): Uncertain significance. Review status: criteria provided, multiple submitters, no conflicts (2 of 4 stars). 3 submissions from 3 submitters: Uncertain significance (3). Last evaluated 2022-10-13.

Conditions:
Inborn genetic diseases. Identifiers: MedGen C0950123, MeSH D030342.
Achondrogenesis, type IA (ACG1A). Identifiers: Orphanet 932, Orphanet 93299, MedGen C0265273, MONDO:0008701, OMIM 200600.

Allele frequency attached by ClinVar (database versions not stated): gnomAD exomes 0.00013 and 0.00024; ExAC 0.00015; ESP Exome Variant Server 0.00015; gnomAD 0.00019; 1000 Genomes Project 0.00020; 1000 Genomes Project 30x 0.00031; TOPMed 0.00032.
gnomAD v4.1: 378 of 1,613,996 alleles (0.023%); highest among the groups gnomAD compares: Admixed American, 0.043%; no homozygotes.

Submissions (3):

Labcorp Genetics (formerly Invitae), Labcorp
Classification: Uncertain significance for Achondrogenesis, type IA. Last evaluated: 2022-10-13. Review status: criteria provided, single submitter. Criteria: Invitae Variant Classification Sherloc (09022015). Collection method: clinical testing. Allele origin: germline.
Comment: This sequence change replaces alanine, which is neutral and non-polar, with valine, which is neutral and non-polar, at codon 1127 of the TRIP11 protein (p.Ala1127Val). This variant is present in population databases (rs191280213, gnomAD 0.02%). This variant has not been reported in the literature in individuals affected with TRIP11-related conditions. ClinVar contains an entry for this variant (Variation ID: 810959). Advanced modeling of protein sequence and biophysical properties (such as structural, functional, and spatial information, amino acid conservation, physicochemical variation, residue mobility, and thermodynamic stability) performed at Invitae indicates that this missense variant is not expected to disrupt TRIP11 protein function. In summary, the available evidence is currently insufficient to determine the role of this variant in disease. Therefore, it has been classified as a Variant of Uncertain Significance.

Ambry Genetics
Classification: Uncertain significance for Inborn genetic diseases. Last evaluated: 2022-07-26. Review status: criteria provided, single submitter. Criteria: Ambry Variant Classification Scheme 2023. Collection method: clinical testing. Allele origin: germline.

ARUP Laboratories, Molecular Genetics and Genomics, ARUP Laboratories
Classification: Uncertain significance. Last evaluated: 2019-05-27. Review status: criteria provided, single submitter. Criteria: ARUP Molecular Germline Variant Investigation Process. Collection method: clinical testing. Allele origin: germline.
Comment: The TRIP11 c.3380C>T; p.Ala1127Val variant (rs191280213), to our knowledge, is not described in the medical literature or in gene-specific databases. It is observed in the general population at an overall frequency of 0.013% (35/276454 alleles) in the Genome Aggregation Database. The alanine at codon 1127 is moderately conserved, but computational algorithms (PolyPhen-2: possibly damaging, SIFT: tolerated) predict conflicting effects of this variant on protein structure/function. Due to the lack of clinical and functional data regarding this variant, its clinical significance cannot be determined with certainty.